The following is an entry in ClinVar:

NM_007327.4(GRIN1):c.2499C>T (p.Ile833=)

Gene: GRIN1 (glutamate ionotropic receptor NMDA type subunit 1; plus strand). Cytogenetic location: 9q34.3.
Variant type: single nucleotide variant.
Coding change: c.2499C>T on transcript NM_007327.4 (MANE Select); coding-DNA position 2499, C replaced by T.
Protein change: p.Ile833=; no amino-acid change (isoleucine 833 retained).
Molecular consequence: synonymous variant.
Genome position (GRCh38, 1-based): chr9:137,163,814, C>T. VCF-style: chr9-137163814-C-T. GRCh37 (hg19) VCF-style: chr9-140058266-C-T.
Other names: c.2499C>T, p.Ile833= (NM_000832.7, NM_021569.4); c.2562C>T, p.Ile854= (NM_001185090.2, NM_001185091.2).
Identifiers: ClinVar variation 211109 (VCV000211109.23), dbSNP rs146086141, ClinGen allele CA209116.

ClinVar aggregate classification (germline): Conflicting classifications of pathogenicity. Review status: criteria provided, conflicting classifications (1 of 4 stars). 6 submissions from 6 submitters: Uncertain significance (1); Likely benign (5). Last evaluated 2026-02-03.

Conditions:
Inborn genetic diseases. Identifiers: MedGen C0950123, MeSH D030342.
Neurodevelopmental disorder with or without hyperkinetic movements and seizures, autosomal dominant. Also called: Intellectual disability, autosomal dominant 8. Identifiers: MedGen C3280282, MONDO:0013655, OMIM 614254.

Allele frequency attached by ClinVar (database versions not stated): gnomAD exomes 0.00004; ExAC 0.00006; TOPMed 0.00006; 1000 Genomes Project 30x 0.00047; 1000 Genomes Project 0.00060.
gnomAD v4.1: 46 of 1,613,490 alleles (0.0029%); highest among the groups gnomAD compares: Middle Eastern, 0.31%; no homozygotes.

Submissions (6):

Labcorp Genetics (formerly Invitae), Labcorp
Classification: Likely benign for Neurodevelopmental disorder with or without hyperkinetic movements and seizures, autosomal dominant. Last evaluated: 2026-02-03. Review status: criteria provided, single submitter. Criteria: Invitae Variant Classification Sherloc (09022015). Collection method: clinical testing. Allele origin: germline.

CeGaT Center for Human Genetics Tuebingen
Classification: Likely benign. Last evaluated: 2026-02-01. Review status: criteria provided, single submitter. Criteria: CeGaT Center For Human Genetics Tuebingen Variant Classification Criteria Version 2. Collection method: clinical testing. Allele origin: germline. Affected: yes. Observed: 1 variant allele.
Comment: GRIN1: BP4, BP7

Blueprint Genetics
Classification: Likely benign. Last evaluated: 2024-11-12. Review status: criteria provided, single submitter. Criteria: ACMG Guidelines, 2015. Collection method: clinical testing. Allele origin: germline.

GeneDx
Classification: Likely benign. Last evaluated: 2021-02-09. Review status: criteria provided, single submitter. Criteria: GeneDx Variant Classification Process June 2021. Collection method: clinical testing. Allele origin: germline. Affected: yes.

Ambry Genetics
Classification: Likely benign for Inborn genetic diseases. Last evaluated: 2018-06-22. Review status: criteria provided, single submitter. Criteria: Ambry Variant Classification Scheme 2023. Collection method: clinical testing. Allele origin: germline.

Genetic Services Laboratory, University of Chicago
Classification: Uncertain significance. Last evaluated: 2015-07-28. Review status: criteria provided, single submitter. Criteria: ACMG Guidelines, 2015. Collection method: clinical testing. Allele origin: germline.